The following is an entry in ClinVar:

ClinVar aggregate classification (germline): Uncertain significance. Review status: criteria provided, multiple submitters, no conflicts (2 of 4 stars). 2 submissions from 2 submitters: Uncertain significance (2). Last evaluated 2025-11-24.

Conditions:
Hereditary cancer-predisposing syndrome. Also called: Hereditary Cancer Syndrome; Tumor predisposition; Hereditary neoplastic syndrome; Neoplastic Syndromes, Hereditary. Identifiers: Orphanet 140162, MedGen C0027672, MeSH D009386, MONDO:0015356.
Parathyroid carcinoma (PRTC). Also called: CDC73-Related Parathyroid Carcinoma; Parathyroid gland carcinoma. Identifiers: Orphanet 143, MedGen C0687150, MONDO:0012004, OMIM 608266, HP:0006780.

Submissions (2):

Labcorp Genetics (formerly Invitae), Labcorp
Classification: Uncertain significance for Parathyroid carcinoma. Last evaluated: 2025-11-24. Review status: criteria provided, single submitter. Criteria: Invitae Variant Classification Sherloc (09022015). Collection method: clinical testing. Allele origin: germline.
Comment: This sequence change replaces proline, which is neutral and non-polar, with threonine, which is neutral and polar, at codon 33 of the CDC73 protein (p.Pro33Thr). This variant is not present in population databases (gnomAD no frequency). This variant has not been reported in the literature in individuals affected with CDC73-related conditions. ClinVar contains an entry for this variant (Variation ID: 3265055). Invitae Evidence Modeling of protein sequence and biophysical properties (such as structural, functional, and spatial information, amino acid conservation, physicochemical variation, residue mobility, and thermodynamic stability) indicates that this missense variant is expected to disrupt CDC73 protein function with a positive predictive value of 80%. In summary, the available evidence is currently insufficient to determine the role of this variant in disease. Therefore, it has been classified as a Variant of Uncertain Significance.

Ambry Genetics
Classification: Uncertain significance for Hereditary cancer-predisposing syndrome. Last evaluated: 2024-04-15. Review status: criteria provided, single submitter. Criteria: Ambry Variant Classification Scheme 2023. Collection method: clinical testing. Allele origin: germline.
Comment: The p.P33T variant (also known as c.97C>A), located in coding exon 1 of the CDC73 gene, results from a C to A substitution at nucleotide position 97. The proline at codon 33 is replaced by threonine, an amino acid with highly similar properties. This amino acid position is conserved. In addition, this alteration is predicted to be deleterious by in silico analysis. Based on the available evidence, the clinical significance of this variant remains unclear.

NM_024529.5(CDC73):c.97C>A (p.Pro33Thr)

Gene: CDC73 (cell division cycle 73; plus strand). Cytogenetic location: 1q31.2.
Variant type: single nucleotide variant.
Coding change: c.97C>A on transcript NM_024529.5 (MANE Select); coding-DNA position 97, C replaced by A.
Protein change: p.Pro33Thr; replaces proline 33 with threonine.
Molecular consequence: missense variant.
Genome position (GRCh38, 1-based): chr1:193,122,297, C>A. VCF-style: chr1-193122297-C-A. GRCh37 (hg19) VCF-style: chr1-193091427-C-A.
Other names: short protein forms P33T.
Identifiers: ClinVar variation 3265055 (VCV003265055.2).